The following is an entry in ClinVar:

NM_015046.7(SETX):c.2698A>G (p.Thr900Ala)

Gene: SETX (senataxin; minus strand). Cytogenetic location: 9q34.13.
Variant type: single nucleotide variant.
Coding change: c.2698A>G on transcript NM_015046.7 (MANE Select); coding-DNA position 2698, A replaced by G.
Protein change: p.Thr900Ala; replaces threonine 900 with alanine.
Molecular consequence: missense variant.
Genome position (GRCh38, 1-based): chr9:132,328,900, T>C on the plus strand (A>G on the coding strand, the complement: SETX is on the minus strand). VCF-style: chr9-132328900-T-C. GRCh37 (hg19) VCF-style: chr9-135204287-T-C.
Other names: c.2698A>G, p.Thr900Ala (NM_001351527.2, NM_001351528.2); short protein forms T900A.
Identifiers: ClinVar variation 912592 (VCV000912592.9), dbSNP rs1320466105, ClinGen allele CA375334337.

ClinVar aggregate classification (germline): Conflicting classifications of pathogenicity. Review status: criteria provided, conflicting classifications (1 of 4 stars). 6 submissions from 5 submitters: Uncertain significance (4); Likely benign (1). 1 of the submissions does not count toward it. Last evaluated 2024-07-18.

Conditions:
Amyotrophic lateral sclerosis type 4 (ALS4). Also called: AMYOTROPHIC LATERAL SCLEROSIS 4, JUVENILE; NEURONOPATHY, DISTAL HEREDITARY MOTOR, WITH PYRAMIDAL FEATURES. Identifiers: Orphanet 357043, MedGen C1865409, MONDO:0011223, OMIM 602433.
Spinocerebellar ataxia, autosomal recessive, with axonal neuropathy 2 (SCAN2). Also called: ATAXIA-OCULOMOTOR APRAXIA 2; Ataxia-ocular apraxia-2; Ataxia with Oculomotor Apraxia; Ataxia with Oculomotor Apraxia Type 2. Identifiers: Orphanet 64753, MedGen C1853761, MONDO:0018996, OMIM 606002.
SETX-related disorder. Also called: SETX-related disorders; SETX-related condition. Identifiers: MedGen CN239403.

Allele frequency attached by ClinVar (database versions not stated): gnomAD exomes below 0.00001 and 0.00001.
gnomAD v4.1: 3 of 1,614,012 alleles (0.00019%); highest among the groups gnomAD compares: Non-Finnish European, 0.00025%; no homozygotes.

Submissions (6):

Women's Health and Genetics/Laboratory Corporation of America, LabCorp
Classification: Uncertain significance. Last evaluated: 2024-07-18. Review status: criteria provided, single submitter. Criteria: LabCorp Variant Classification Summary - May 2015. Collection method: clinical testing. Allele origin: germline.
Comment: Variant summary: SETX c.2698A>G (p.Thr900Ala) results in a non-conservative amino acid change in the encoded protein sequence. Four of five in-silico tools predict a benign effect of the variant on protein function. The variant allele was found at a frequency of 4e-06 in 250926 control chromosomes. The available data on variant occurrences in the general population are insufficient to allow any conclusion about variant significance. To our knowledge, no occurrence of c.2698A>G in individuals affected with Amyotrophic Lateral Sclerosis Type 4 and no experimental evidence demonstrating its impact on protein function have been reported. ClinVar contains an entry for this variant (Variation ID: 912592). Based on the evidence outlined above, the variant was classified as uncertain significance.

Labcorp Genetics (formerly Invitae), Labcorp
Classification: Likely benign for Amyotrophic lateral sclerosis type 4; Spinocerebellar ataxia, autosomal recessive, with axonal neuropathy 2. Last evaluated: 2024-06-28. Review status: criteria provided, single submitter. Criteria: Invitae Variant Classification Sherloc (09022015). Collection method: clinical testing. Allele origin: germline.

Athena Diagnostics
Classification: Uncertain significance. Last evaluated: 2023-01-06. Review status: criteria provided, single submitter. Criteria: Athena Diagnostics Criteria. Collection method: clinical testing. Allele origin: unknown.
Comment: Available data are insufficient to determine the clinical significance of the variant at this time. The frequency of this variant in the general population is uninformative in assessment of its pathogenicity. Computational tools predict that this variant is not damaging.

Illumina Laboratory Services, Illumina
Classification: Uncertain significance for Spinocerebellar ataxia, autosomal recessive, with axonal neuropathy 2. Last evaluated: 2018-01-12. Review status: criteria provided, single submitter. Criteria: ICSL Variant Classification Criteria 13 December 2019. Collection method: clinical testing. Allele origin: germline.

Illumina Laboratory Services, Illumina
Classification: Uncertain significance for Amyotrophic lateral sclerosis type 4. Last evaluated: 2018-01-12. Review status: criteria provided, single submitter. Criteria: ICSL Variant Classification Criteria 13 December 2019. Collection method: clinical testing. Allele origin: germline.

PreventionGenetics, part of Exact Sciences
Classification: Uncertain significance for SETX-related condition. Last evaluated: 2024-02-21. Review status: no assertion criteria provided. Collection method: clinical testing. Allele origin: germline. Not counted in ClinVar's aggregate classification.
Comment: The SETX c.2698A>G variant is predicted to result in the amino acid substitution p.Thr900Ala. To our knowledge, this variant has not been reported in the literature. This variant is reported in 0.0016% of alleles in individuals of European (Non-Finnish) descent in gnomAD. At this time, the clinical significance of this variant is uncertain due to the absence of conclusive functional and genetic evidence.